The following is an entry in ClinVar:

ClinVar aggregate classification (germline): Likely benign (1 of 4 stars; one submission).

Allele frequency attached by ClinVar (database versions not stated): 1000 Genomes Project 0.00060; 1000 Genomes Project 30x 0.00062; gnomAD 0.00123 and 0.00127; TOPMed 0.00130; ESP Exome Variant Server 0.00138; gnomAD exomes 0.00148 and 0.00233; ExAC 0.00177.
gnomAD v4.1: 3,514 of 1,612,064 alleles (0.22%); highest among the groups gnomAD compares: Non-Finnish European, 0.28%; 3 homozygotes.

Submission:

CeGaT Center for Human Genetics Tuebingen
Classification: Likely benign. Last evaluated: 2024-08-01. Review status: criteria provided, single submitter. Criteria: CeGaT Center For Human Genetics Tuebingen Variant Classification Criteria Version 2. Collection method: clinical testing. Allele origin: germline. Affected: yes. Observed: 2 variant alleles.
Comment: XRCC1: BS2

NM_006297.3(XRCC1):c.20G>T (p.Arg7Leu)

Gene: XRCC1 (X-ray repair cross complementing 1; minus strand). Cytogenetic location: 19q13.31.
Variant type: single nucleotide variant.
Coding change: c.20G>T on transcript NM_006297.3 (MANE Select); coding-DNA position 20, G replaced by T.
Protein change: p.Arg7Leu; replaces arginine 7 with leucine.
Molecular consequence: missense variant.
Genome position (GRCh38, 1-based): chr19:43,575,439, C>A on the plus strand (G>T on the coding strand, the complement: XRCC1 is on the minus strand). VCF-style: chr19-43575439-C-A. GRCh37 (hg19) VCF-style: chr19-44079591-C-A.
Other names: short protein forms R7L.
Identifiers: ClinVar variation 1176082 (VCV001176082.35), dbSNP rs2307186, ClinGen allele CA9488947.